The following is an entry in ClinVar:

NM_000428.3(LTBP2):c.2662G>A (p.Asp888Asn)

Gene: LTBP2 (latent transforming growth factor beta binding protein 2; minus strand). Cytogenetic location: 14q24.3.
Variant type: single nucleotide variant.
Coding change: c.2662G>A on transcript NM_000428.3 (MANE Select); coding-DNA position 2662, G replaced by A.
Protein change: p.Asp888Asn; replaces aspartic acid 888 with asparagine.
Molecular consequence: missense variant.
Genome position (GRCh38, 1-based): chr14:74,522,037, C>T on the plus strand (G>A on the coding strand, the complement: LTBP2 is on the minus strand). VCF-style: chr14-74522037-C-T. GRCh37 (hg19) VCF-style: chr14-74988740-C-T.
Other names: short protein forms D888N.
Identifiers: ClinVar variation 3680302 (VCV003680302.2).

ClinVar aggregate classification (germline): Uncertain significance (1 of 4 stars; one submission).

gnomAD v4.1: 3 of 1,612,368 alleles (0.00019%); highest among the groups gnomAD compares: East Asian, 0.0022%; no homozygotes.

Submission:

Labcorp Genetics (formerly Invitae), Labcorp
Classification: Uncertain significance. Last evaluated: 2024-02-14. Review status: criteria provided, single submitter. Criteria: Invitae Variant Classification Sherloc (09022015). Collection method: clinical testing. Allele origin: germline.
Comment: This sequence change replaces aspartic acid, which is acidic and polar, with asparagine, which is neutral and polar, at codon 888 of the LTBP2 protein (p.Asp888Asn). This variant is present in population databases (rs757740990, gnomAD 0.006%). This variant has not been reported in the literature in individuals affected with LTBP2-related conditions. An algorithm developed to predict the effect of missense changes on protein structure and function (PolyPhen-2) suggests that this variant is likely to be disruptive. In summary, the available evidence is currently insufficient to determine the role of this variant in disease. Therefore, it has been classified as a Variant of Uncertain Significance.